The following is an entry in ClinVar:

ClinVar aggregate classification (germline): Likely pathogenic (1 of 4 stars; one submission).

Conditions:
Catecholaminergic polymorphic ventricular tachycardia 1. Also called: VENTRICULAR TACHYCARDIA, STRESS-INDUCED POLYMORPHIC 1; VENTRICULAR TACHYCARDIA, CATECHOLAMINERGIC POLYMORPHIC, 1, WITH OR WITHOUT ATRIAL DYSFUNCTION AND/OR DILATED CARDIOMYOPATHY; RYR2-Related Catecholaminergic Polymorphic Ventricular Tachycardia. Identifiers: Orphanet 3286, MedGen C1631597, MONDO:0011484, OMIM 604772.

Submission:

Labcorp Genetics (formerly Invitae), Labcorp
Classification: Likely pathogenic for Catecholaminergic polymorphic ventricular tachycardia 1. Last evaluated: 2021-04-08. Review status: criteria provided, single submitter. Criteria: Invitae Variant Classification Sherloc (09022015). Collection method: clinical testing. Allele origin: germline.
Comment: This variant is not present in population databases (ExAC no frequency). This variant, c.14651_14652insTCC, is a complex sequence change that results in the deletion of 1 amino acid and insertion of 2 amino acid(s) in the RYR2 protein (p.Met4884delinsIlePro). In summary, the currently available evidence indicates that the variant is pathogenic, but additional data are needed to prove that conclusively. Therefore, this variant has been classified as Likely Pathogenic. Experimental studies and prediction algorithms are not available or were not evaluated, and the functional significance of this variant is currently unknown. This variant has been observed in individual(s) with clinical features of RYR2-related disease (Invitae). In at least one individual the variant was observed to be de novo. ClinVar contains an entry for this variant (Variation ID: 1013805).

NM_001035.3(RYR2):c.14651_14652insTCC (p.Met4884delinsIlePro)

Gene: RYR2 (ryanodine receptor 2; plus strand). Cytogenetic location: 1q43.
Variant type: Insertion.
Coding change: c.14651_14652insTCC on transcript NM_001035.3 (MANE Select); coding-DNA positions 14651 to 14652, TCC inserted.
Protein change: p.Met4884delinsIlePro.
Molecular consequence: inframe indel.
Genome position: GRCh38 VCF-style: chr1-237828441-T-TTCC. GRCh37 (hg19) VCF-style: chr1-237991741-T-TTCC.
Identifiers: ClinVar variation 1013805 (VCV001013805.10), dbSNP rs1663402590, ClinGen allele CA2487501700.